The following is an entry in ClinVar:

ClinVar aggregate classification (germline): Uncertain significance (1 of 4 stars; one submission).

Submission:

Labcorp Genetics (formerly Invitae), Labcorp
Classification: Uncertain significance. Last evaluated: 2022-10-08. Review status: criteria provided, single submitter. Criteria: Invitae Variant Classification Sherloc (09022015). Collection method: clinical testing. Allele origin: germline.
Comment: This variant has not been reported in the literature in individuals affected with UNC80-related conditions. Advanced modeling of protein sequence and biophysical properties (such as structural, functional, and spatial information, amino acid conservation, physicochemical variation, residue mobility, and thermodynamic stability) performed at Invitae indicates that this missense variant is not expected to disrupt UNC80 protein function. In summary, the available evidence is currently insufficient to determine the role of this variant in disease. Therefore, it has been classified as a Variant of Uncertain Significance. This variant is not present in population databases (gnomAD no frequency). This sequence change replaces glutamine, which is neutral and polar, with lysine, which is basic and polar, at codon 2260 of the UNC80 protein (p.Gln2260Lys).

NM_001371986.1(UNC80):c.6976C>A (p.Gln2326Lys)

Gene: UNC80 (unc-80 subunit of NALCN channel complex; plus strand). Cytogenetic location: 2q34.
Variant type: single nucleotide variant.
Coding change: c.6976C>A on transcript NM_001371986.1 (MANE Select); coding-DNA position 6976, C replaced by A.
Protein change: p.Gln2326Lys; replaces glutamine 2326 with lysine.
Molecular consequence: missense variant.
Genome position (GRCh38, 1-based): chr2:209,943,440, C>A. VCF-style: chr2-209943440-C-A. GRCh37 (hg19) VCF-style: chr2-210808164-C-A.
Other names: c.6778C>A, p.Gln2260Lys (NM_032504.2); c.6763C>A, p.Gln2255Lys (NM_182587.4); short protein forms Q2260K, Q2326K, Q2255K.
Identifiers: ClinVar variation 2000786 (VCV002000786.4), dbSNP rs2124981606, ClinGen allele CA350773482.
Genomic context (GRCh38, chr2:209,943,440, plus strand): 5'-GTGTACTCCGACTATGAAAGCAATCCCCAGCTGCGTCAAGCCATCGAATTTGCCTGTCAC[C>A]AGTTCTATATTCTACACCGGAAGCCCTTTGTGCTCCAGCTGTTTGCTAGTGTGGCCCCTC-3'
Protein context (NP_001358915.1, residues 2316-2336): LRQAIEFACH[Gln2326Lys]FYILHRKPFV